The following is an entry in ClinVar:

ClinVar aggregate classification (germline): Likely pathogenic (1 of 4 stars; one submission).

Conditions:
Osteogenesis imperfecta type III (OI3). Also called: Progressively Deforming Osteogenesis Imperfecta; Osteogenesis imperfecta type 3; OI type 3; Osteogenesis imperfecta, progressively deforming with normal sclerae; OI type III. Identifiers: Orphanet 216812, Orphanet 666, MedGen C0268362, MONDO:0009804, OMIM 259420.
Osteogenesis imperfecta, perinatal lethal (OI2). Also called: OSTEOGENESIS IMPERFECTA, TYPE II; Osteogenesis imperfecta type 2; Osteogenesis imperfecta, dominant perinatal lethal; OI, TYPE II; OSTEOGENESIS IMPERFECTA CONGENITA; VROLIK TYPE OF OSTEOGENESIS IMPERFECTA. Identifiers: Orphanet 216804, MedGen C0268358, MONDO:0008147, OMIM 166210.
Osteoporosis. Identifiers: MedGen C0029456, MONDO:0005298, OMIM 166710, HP:0000939.
Ehlers-Danlos syndrome, cardiac valvular type. Identifiers: Orphanet 230851, MedGen C4303789, MONDO:0009159, OMIM 225320.
Ehlers-Danlos syndrome, arthrochalasia type. Also called: Ehlers-Danlos syndrome, arthrochalasia type, 1; ARTHROCHALASIS MULTIPLEX CONGENITA; EDS VII, MUTANT PROCOLLAGEN TYPE; EDS VIIA; Ehlers-Danlos syndrome, arthrochalasis type. Identifiers: Orphanet 1899, Orphanet 99875, Orphanet 99876, MedGen C4551623, MONDO:0007525, OMIM 130060.
Osteogenesis imperfecta with normal sclerae, dominant form (OI4). Also called: Osteogenesis imperfecta type 4; Common Variable Osteogenesis Imperfecta with Normal Sclerae; OSTEOGENESIS IMPERFECTA WITH NORMAL SCLERAE; OSTEOGENESIS IMPERFECTA, TYPE IV, WITH DENTINOGENESIS IMPERFECTA; Osteogenesis Imperfecta Type IV. Identifiers: Orphanet 216820, Orphanet 666, MedGen C0268363, MONDO:0008148, OMIM 166220.

Submission:

Center for Genomics, Ann and Robert H. Lurie Children's Hospital of Chicago
Classification: Likely pathogenic for Ehlers-Danlos syndrome, cardiac valvular type; Ehlers-Danlos syndrome, arthrochalasia type; Osteogenesis imperfecta, perinatal lethal; Osteogenesis imperfecta type III; Osteogenesis imperfecta with normal sclerae, dominant form; Osteoporosis. Review status: criteria provided, single submitter. Criteria: ACMG Guidelines, 2015. Collection method: clinical testing. Allele origin: germline.
Comment: COL1A2 NM_000089.3 intron 9 c.432+2T>A: This variant has not been reported in the literature and is not present in large control databases. Evolutionary conservation and computational predictive tools for this variant are limited or unavailable. This variant alters the consensus splice sequence (+/- 1,2) which is predicted to result in an absent or abnormal protein. Data suggests that this gene is associated with a dominant-negative versus a loss of function mechanism for disease. However, there is some data on similar variants that suggests that this variant may lead to in-frame skipping of exon 9 and may therefore be consistent with the expected mechanism (Marini 2007 PMID:17078022, Hatamochi 2014 PMID:24440294, Maioli 2019 PMID:30886339). In summary, data on this variant is highly suspicious for disease, but requires further evidence for pathogenicity. Therefore, this variant is classified as likely pathogenic.

NM_000089.4(COL1A2):c.432+2T>A

Gene: COL1A2 (collagen type I alpha 2 chain; plus strand). Cytogenetic location: 7q21.3.
Variant type: single nucleotide variant.
Coding change: c.432+2T>A on transcript NM_000089.4 (MANE Select); the canonical splice donor site of the intron after coding-DNA position 432, T replaced by A.
Molecular consequence: splice donor variant.
Genome position (GRCh38, 1-based): chr7:94,404,894, T>A. VCF-style: chr7-94404894-T-A. GRCh37 (hg19) VCF-style: chr7-94034206-T-A.
Identifiers: ClinVar variation 1675161 (VCV001675161.2), dbSNP rs2115876295, ClinGen allele CA368219750.